The following is an entry in ClinVar:

NM_001370658.1(BTD):c.39C>T (p.Cys13=)

Gene: BTD (biotinidase; plus strand). Cytogenetic location: 3p25.1.
Variant type: single nucleotide variant.
Coding change: c.39C>T on transcript NM_001370658.1 (MANE Select); coding-DNA position 39, C replaced by T.
Protein change: p.Cys13=; no amino-acid change (cysteine 13 retained).
Molecular consequence: synonymous variant.
Genome position (GRCh38, 1-based): chr3:15,635,478, C>T. VCF-style: chr3-15635478-C-T. GRCh37 (hg19) VCF-style: chr3-15676985-C-T.
Other names: c.99C>T, p.Cys33= (NM_000060.4); c.39C>T, p.Cys13= (NM_001281723.4, NM_001281724.3, NM_001281725.3 and 37 more transcripts).
Identifiers: ClinVar variation 24972 (VCV000024972.37), dbSNP rs201564216, ClinGen allele CA278143.

ClinVar aggregate classification (germline): Likely benign. Review status: criteria provided, multiple submitters, no conflicts (2 of 4 stars). 4 submissions from 4 submitters: Likely benign (4). Last evaluated 2026-01-13.

Conditions:
BTD-related disorder. Also called: BTD-related condition.
Biotinidase deficiency. Also called: Biotin deficiency; BTD deficiency; Late-onset biotin-responsive multiple carboxylase deficiency. Identifiers: Orphanet 79241, MedGen C0220754, MONDO:0009665, OMIM 253260.

Allele frequency attached by ClinVar (database versions not stated): gnomAD 0.00005 and 0.00006; ESP Exome Variant Server 0.00008; TOPMed 0.00009; ExAC 0.00014; gnomAD exomes 0.00014; 1000 Genomes Project 0.00020.
gnomAD v4.1: 109 of 1,614,208 alleles (0.0068%); highest among the groups gnomAD compares: East Asian, 0.062%; 1 homozygote.

Submissions (4):

Labcorp Genetics (formerly Invitae), Labcorp
Classification: Likely benign for Biotinidase deficiency. Last evaluated: 2026-01-13. Review status: criteria provided, single submitter. Criteria: Invitae Variant Classification Sherloc (09022015). Collection method: clinical testing. Allele origin: germline.

PreventionGenetics, part of Exact Sciences
Classification: Likely benign for BTD-related condition. Last evaluated: 2025-10-06. Review status: criteria provided, single submitter. Criteria: ACMG Guidelines, 2015. Collection method: clinical testing. Allele origin: germline.
Comment: This variant is classified as likely benign based on ACMG/AMP sequence variant interpretation guidelines (Richards et al. 2015 PMID: 25741868, with internal and published modifications).

Blueprint Genetics
Classification: Likely benign. Last evaluated: 2024-11-12. Review status: criteria provided, single submitter. Criteria: ACMG Guidelines, 2015. Collection method: clinical testing. Allele origin: germline.

CeGaT Center for Human Genetics Tuebingen
Classification: Likely benign. Last evaluated: 2023-02-01. Review status: criteria provided, single submitter. Criteria: CeGaT Center For Human Genetics Tuebingen Variant Classification Criteria Version 2. Collection method: clinical testing. Allele origin: germline. Affected: yes. Observed: 1 variant allele.
Comment: BTD: BP4, BP7